The following is an entry in ClinVar:

ClinVar aggregate classification (germline): Uncertain significance (1 of 4 stars; one submission).

Conditions:
Desmin-related myofibrillar myopathy (MFM1). Also called: DESMIN-RELATED MYOPATHY WITH ARRHYTHMOGENIC RIGHT VENTRICULAR CARDIOMYOPATHY; MYOFIBRILLAR MYOPATHY WITH ARRHYTHMOGENIC RIGHT VENTRICULAR CARDIOMYOPATHY; Desminopathy; Desmin related myopathy (former name); Desmin storage myopathy (former name); Myofibrillar myopathy 1. Identifiers: Orphanet 363543, Orphanet 98909, MedGen C1832370, MONDO:0011076, OMIM 601419.

Submission:

Labcorp Genetics (formerly Invitae), Labcorp
Classification: Uncertain significance for Desmin-related myofibrillar myopathy. Last evaluated: 2022-06-11. Review status: criteria provided, single submitter. Criteria: Invitae Variant Classification Sherloc (09022015). Collection method: clinical testing. Allele origin: germline.
Comment: In summary, the available evidence is currently insufficient to determine the role of this variant in disease. Therefore, it has been classified as a Variant of Uncertain Significance. Algorithms developed to predict the effect of missense changes on protein structure and function (SIFT, PolyPhen-2, Align-GVGD) all suggest that this variant is likely to be tolerated. This variant has not been reported in the literature in individuals affected with DES-related conditions. This variant is not present in population databases (gnomAD no frequency). This sequence change replaces glutamine, which is neutral and polar, with glutamic acid, which is acidic and polar, at codon 435 of the DES protein (p.Gln435Glu).

NM_001927.4(DES):c.1303C>G (p.Gln435Glu)

Gene: DES (desmin; plus strand). Cytogenetic location: 2q35.
Variant type: single nucleotide variant.
Coding change: c.1303C>G on transcript NM_001927.4 (MANE Select); coding-DNA position 1303, C replaced by G.
Protein change: p.Gln435Glu; replaces glutamine 435 with glutamic acid.
Molecular consequence: missense variant.
Genome position (GRCh38, 1-based): chr2:219,425,677, C>G. VCF-style: chr2-219425677-C-G. GRCh37 (hg19) VCF-style: chr2-220290399-C-G.
Other names: c.1300C>G, p.Gln434Glu (NM_001382708.1); c.871C>G, p.Gln291Glu (NM_001382709.1); c.1234C>G, p.Gln412Glu (NM_001382710.1); c.1282C>G, p.Gln428Glu (NM_001382711.1); c.1303C>G, p.Gln435Glu (NM_001382712.1); c.1033C>G, p.Gln345Glu (NM_001382713.1); short protein forms Q428E, Q345E, Q434E, Q435E, Q291E, Q412E.
Identifiers: ClinVar variation 1992990 (VCV001992990.4), dbSNP rs2545263577, ClinGen allele CA350698371.